The following is an entry in ClinVar:

NM_005026.5(PIK3CD):c.1461C>T (p.Ala487=)

Genes: PIK3CD (phosphatidylinositol-4,5-bisphosphate 3-kinase catalytic subunit delta; plus strand), LOC126805612 (MED14-independent group 3 enhancer GRCh37_chr1:9778914-9780113; plus strand). Cytogenetic location: 1p36.22.
Variant type: single nucleotide variant.
Coding change: c.1461C>T on transcript NM_005026.5 (MANE Select); coding-DNA position 1461, C replaced by T.
Protein change: p.Ala487=; no amino-acid change (alanine 487 retained).
Molecular consequence: synonymous variant.
Genome position (GRCh38, 1-based): chr1:9,720,233, C>T. VCF-style: chr1-9720233-C-T. GRCh37 (hg19) VCF-style: chr1-9780291-C-T.
Other names: c.1461C>T, p.Ala487= (NM_001350234.2); c.1374C>T, p.Ala458= (NM_001350235.1).
Identifiers: ClinVar variation 1694490 (VCV001694490.32), dbSNP rs977705628, ClinGen allele CA17779564.
Genomic context (GRCh38, chr1:9,720,233, plus strand): 5'-CGCCGCTGCCCTGCTCATCTGCCTGCCCGAGGTGGCCCCGCACCCCGTGTACTACCCCGC[C>T]CTGGAGAAGGTCAGTGGGGGCCCCGCCGCGTGAGGCTGAGGGGCTGGCGCGGAGCTCTCC-3'
Protein context (NP_005017.3, residues 477-497): EVAPHPVYYP[Ala487=]LEKILELGRH

ClinVar aggregate classification (germline): Likely benign. Review status: criteria provided, multiple submitters, no conflicts (2 of 4 stars). 2 submissions from 2 submitters: Likely benign (2). Last evaluated 2025-07-31.

Conditions:
Immunodeficiency 14 (IMD14A). Also called: p110-DELTA-ACTIVATING MUTATION CAUSING SENESCENT T CELLS, LYMPHADENOPATHY, AND IMMUNODEFICIENCY; ACTIVATED PI3K-DELTA SYNDROME 1; Activated PI3K Delta Syndrome Type 1 (APDS1); IMMUNODEFICIENCY 14A WITH LYMPHOPROLIFERATION, AUTOSOMAL DOMINANT. Identifiers: Orphanet 397596, Orphanet 693661, MedGen C5907821, MONDO:0014222, OMIM 615513.

Allele frequency attached by ClinVar (database versions not stated): gnomAD exomes below 0.00001.
gnomAD v4.1: 2 of 1,606,040 alleles (0.00012%); highest among the groups gnomAD compares: Non-Finnish European, 0.00017%; no homozygotes.

Submissions (2):

Labcorp Genetics (formerly Invitae), Labcorp
Classification: Likely benign for Activated PI3K-delta syndrome. Last evaluated: 2025-07-31. Review status: criteria provided, single submitter. Criteria: Invitae Variant Classification Sherloc (09022015). Collection method: clinical testing. Allele origin: germline.

CeGaT Center for Human Genetics Tuebingen
Classification: Likely benign. Last evaluated: 2022-06-01. Review status: criteria provided, single submitter. Criteria: CeGaT Center For Human Genetics Tuebingen Variant Classification Criteria Version 2. Collection method: clinical testing. Allele origin: germline. Affected: yes. Observed: 1 variant allele.
Comment: PIK3CD: PM2:Supporting, BP4, BP7